The following is an entry in ClinVar:

NM_002160.4(TNC):c.1963G>A (p.Val655Met)

Gene: TNC (tenascin C; minus strand). Cytogenetic location: 9q33.1.
Variant type: single nucleotide variant.
Coding change: c.1963G>A on transcript NM_002160.4 (MANE Select); coding-DNA position 1963, G replaced by A.
Protein change: p.Val655Met; replaces valine 655 with methionine.
Molecular consequence: missense variant.
Genome position (GRCh38, 1-based): chr9:115,084,377, C>T on the plus strand (G>A on the coding strand, the complement: TNC is on the minus strand). VCF-style: chr9-115084377-C-T. GRCh37 (hg19) VCF-style: chr9-117846656-C-T.
Other names: c.1963G>A, p.Val655Met (NM_001410991.1, NM_001439065.1, NM_001439066.1 and 35 more transcripts); short protein forms V655M.
Identifiers: ClinVar variation 4981969 (VCV004981969.1).

ClinVar aggregate classification (germline): Uncertain significance (1 of 4 stars; one submission).

Conditions:
TNC-related disorder. Also called: TNC-related condition.

gnomAD v4.1: 20 of 1,614,072 alleles (0.0012%); highest among the groups gnomAD compares: East Asian, 0.011%; no homozygotes.

Submission:

PreventionGenetics, part of Exact Sciences
Classification: Uncertain significance for TNC-related condition. Last evaluated: 2025-04-09. Review status: criteria provided, single submitter. Criteria: ACMG Guidelines, 2015. Collection method: clinical testing. Allele origin: germline.
Comment: The TNC c.1963G>A variant is predicted to result in the amino acid substitution p.Val655Met. To our knowledge, this variant has not been reported in the literature. This variant is reported in 0.0054% of alleles in individuals of East Asian descent in gnomAD. At this time, the clinical significance of this variant is uncertain due to the absence of conclusive functional and genetic evidence.